The following is an entry in ClinVar:

ClinVar aggregate classification (germline): Uncertain significance. Review status: criteria provided, multiple submitters, no conflicts (2 of 4 stars). 3 submissions from 3 submitters: Uncertain significance (3). Last evaluated 2025-12-21.

Conditions:
Hereditary cancer-predisposing syndrome. Also called: Neoplastic Syndromes, Hereditary; Hereditary Cancer Syndrome; Tumor predisposition; Hereditary neoplastic syndrome. Identifiers: Orphanet 140162, MedGen C0027672, MeSH D009386, MONDO:0015356.

Allele frequency attached by ClinVar (database versions not stated): gnomAD exomes 0.00001; ExAC 0.00002.
gnomAD v4.1: 19 of 1,614,164 alleles (0.0012%); highest among the groups gnomAD compares: Non-Finnish European, 0.0016%; no homozygotes.

Submissions (3):

Labcorp Genetics (formerly Invitae), Labcorp
Classification: Uncertain significance. Last evaluated: 2025-12-21. Review status: criteria provided, single submitter. Criteria: Invitae Variant Classification Sherloc (09022015). Collection method: clinical testing. Allele origin: germline.
Comment: This sequence change replaces valine, which is neutral and non-polar, with isoleucine, which is neutral and non-polar, at codon 447 of the CTNNA1 protein (p.Val447Ile). This variant is present in population databases (rs762698589, gnomAD 0.007%). This variant has not been reported in the literature in individuals affected with CTNNA1-related conditions. ClinVar contains an entry for this variant (Variation ID: 663521). An algorithm developed to predict the effect of missense changes on protein structure and function (PolyPhen-2) suggests that this variant is likely to be tolerated. In summary, the available evidence is currently insufficient to determine the role of this variant in disease. Therefore, it has been classified as a Variant of Uncertain Significance.

Ambry Genetics
Classification: Uncertain significance for Hereditary cancer-predisposing syndrome. Last evaluated: 2025-01-13. Review status: criteria provided, single submitter. Criteria: Ambry Variant Classification Scheme 2023. Collection method: clinical testing. Allele origin: germline.
Comment: The p.V447I variant (also known as c.1339G>A), located in coding exon 9 of the CTNNA1 gene, results from a G to A substitution at nucleotide position 1339. The valine at codon 447 is replaced by isoleucine, an amino acid with highly similar properties. This amino acid position is highly conserved in available vertebrate species. In addition, this alteration is predicted to be tolerated by in silico analysis. The evidence for this gene-disease relationship is limited; therefore, the clinical significance of this alteration is unclear.

Blueprint Genetics
Classification: Uncertain significance. Last evaluated: 2022-06-06. Review status: criteria provided, single submitter. Criteria: ACMG Guidelines, 2015. Collection method: clinical testing. Allele origin: germline.

NM_001903.5(CTNNA1):c.1339G>A (p.Val447Ile)

Gene: CTNNA1 (catenin alpha 1; plus strand). Cytogenetic location: 5q31.2.
Variant type: single nucleotide variant.
Coding change: c.1339G>A on transcript NM_001903.5 (MANE Select); coding-DNA position 1339, G replaced by A.
Protein change: p.Val447Ile; replaces valine 447 with isoleucine.
Molecular consequence: missense variant. On other transcripts: 5 prime UTR variant (6), intron variant (3).
Genome position (GRCh38, 1-based): chr5:138,904,391, G>A. VCF-style: chr5-138904391-G-A. GRCh37 (hg19) VCF-style: chr5-138240080-G-A.
Other names: c.1339G>A, p.Val447Ile (NM_001290307.3, NM_001323982.2, NM_001323983.1 and 2 more transcripts); c.1030G>A, p.Val344Ile (NM_001290309.3); c.970G>A, p.Val324Ile (NM_001290310.3); c.229G>A, p.Val77Ile (NM_001290312.1, NM_001323987.1, NM_001323988.1 and 17 more transcripts); c.-169G>A (NM_001324006.1, NM_001324007.1, NM_001324008.1 and 1 more transcripts); c.-15G>A (NM_001324012.1, NM_001324013.1); c.1297-13351G>A (NM_001323986.2); c.187-13351G>A (NM_001324011.1); and 1 more; short protein forms V324I, V344I, V447I, V77I.
Identifiers: ClinVar variation 663521 (VCV000663521.15), dbSNP rs762698589, ClinGen allele CA3431922.